The following is an entry in ClinVar:

ClinVar aggregate classification (germline): Uncertain significance (1 of 4 stars; one submission).

Conditions:
LEPR-related disorder. Also called: LEPR-related disorders; LEPR-related condition.

Submission:

PreventionGenetics, part of Exact Sciences
Classification: Uncertain significance for LEPR-related condition. Last evaluated: 2026-07-23. Review status: criteria provided, single submitter. Criteria: ACMG Guidelines, 2015. Collection method: clinical testing. Allele origin: germline.
Comment: The LEPR c.1912+5G>T variant is predicted to interfere with splicing. This variant is predicted to alter splicing based on available splicing prediction programs (SpliceAI, Jaganathan et al. 2019. PubMed ID: 30661751). To our knowledge, this variant has not been reported in the literature or in a large population database (gnomAD), indicating this variant is rare. At this time, the clinical significance of this variant is uncertain due to the absence of conclusive functional and genetic evidence.

NM_002303.6(LEPR):c.1912+5G>T

Gene: LEPR (leptin receptor; plus strand). Cytogenetic location: 1p31.3.
Variant type: single nucleotide variant.
Coding change: c.1912+5G>T on transcript NM_002303.6 (MANE Select); 5 bases into the intron after coding-DNA position 1912, G replaced by T.
Molecular consequence: intron variant.
Genome position (GRCh38, 1-based): chr1:65,610,111, G>T. VCF-style: chr1-65610111-G-T. GRCh37 (hg19) VCF-style: chr1-66075794-G-T.
Other names: c.1912+5G>T (NM_001003679.3, NM_001003680.3, NM_001198689.2 and 2 more transcripts).
Identifiers: ClinVar variation 4992228 (VCV004992228.1).
Genomic context (GRCh38, chr1:65,610,111, plus strand): 5'-GGGATATTGGAGTAATTGGAGCAATCCAGCCTACACAGTTGTCATGGATATAAAAGGTCT[G>T]CAGAGATTTTGTAAATGTGTTTTGAAAGTGCATAAGTGTGTGCTTCAAATATGGCTGAAA-3'